The following is an entry in ClinVar:

NM_001351132.2(PEX5):c.1543C>G (p.Leu515Val)

Gene: PEX5 (peroxisomal biogenesis factor 5; plus strand). Cytogenetic location: 12p13.31.
Variant type: single nucleotide variant.
Coding change: c.1543C>G on transcript NM_001351132.2 (MANE Select); coding-DNA position 1543, C replaced by G.
Protein change: p.Leu515Val; replaces leucine 515 with valine.
Molecular consequence: missense variant.
Genome position (GRCh38, 1-based): chr12:7,209,153, C>G. VCF-style: chr12-7209153-C-G. GRCh37 (hg19) VCF-style: chr12-7361749-C-G.
Other names: c.1519C>G, p.Leu507Val (NM_000319.5); c.1588C>G, p.Leu530Val (NM_001131023.2); c.1432C>G, p.Leu478Val (NM_001131024.2, NM_001351124.3, NM_001351126.2 and 7 more transcripts); c.1543C>G, p.Leu515Val (NM_001131025.2, NM_001131026.2, NM_001300789.3 and 4 more transcripts); c.1477C>G, p.Leu493Val (NM_001351135.3, NM_001351138.2); c.1534C>G, p.Leu512Val (NM_001351136.2); c.1408C>G, p.Leu470Val (NM_001351139.2, NM_001351140.2, NM_001374649.2); c.1543C>G (NM_001131025.1); short protein forms L470V, L478V, L515V, L493V, L507V, L530V, L512V.
Identifiers: ClinVar variation 1497136 (VCV001497136.6), dbSNP rs370984432, ClinGen allele CA6426480.

ClinVar aggregate classification (germline): Uncertain significance. Review status: criteria provided, multiple submitters, no conflicts (2 of 4 stars). 2 submissions from 2 submitters: Uncertain significance (2). Last evaluated 2025-01-08.

Conditions:
Peroxisome biogenesis disorder 2B (PBD2B). Identifiers: Orphanet 44, MedGen C3550234, MONDO:0008736, OMIM 202370.
Inborn genetic diseases. Identifiers: MedGen C0950123, MeSH D030342.

Allele frequency attached by ClinVar (database versions not stated): ESP Exome Variant Server 0.00008; ExAC 0.00002.
gnomAD v4.1: 7 of 1,613,824 alleles (0.00043%); highest among the groups gnomAD compares: Non-Finnish European, 0.00059%; no homozygotes.

Submissions (2):

Ambry Genetics
Classification: Uncertain significance for Inborn genetic diseases. Last evaluated: 2025-01-08. Review status: criteria provided, single submitter. Criteria: Ambry Variant Classification Scheme 2023. Collection method: clinical testing. Allele origin: germline.

Labcorp Genetics (formerly Invitae), Labcorp
Classification: Uncertain significance for Peroxisome biogenesis disorder 2B. Last evaluated: 2021-08-24. Review status: criteria provided, single submitter. Criteria: Invitae Variant Classification Sherloc (09022015). Collection method: clinical testing. Allele origin: germline.
Comment: This sequence change replaces leucine with valine at codon 515 of the PEX5 protein (p.Leu515Val). The leucine residue is highly conserved and there is a small physicochemical difference between leucine and valine. This variant is present in population databases (rs370984432, ExAC 0.003%). This variant has not been reported in the literature in individuals affected with PEX5-related conditions. Algorithms developed to predict the effect of missense changes on protein structure and function are either unavailable or do not agree on the potential impact of this missense change (SIFT: "Tolerated"; PolyPhen-2: "Probably Damaging"; Align-GVGD: "Class C0"). In summary, the available evidence is currently insufficient to determine the role of this variant in disease. Therefore, it has been classified as a Variant of Uncertain Significance.